The following is an entry in ClinVar:

ClinVar aggregate classification (germline): Uncertain significance (1 of 4 stars; one submission).

Conditions:
Inborn genetic diseases. Identifiers: MedGen C0950123, MeSH D030342.

Submission:

Ambry Genetics
Classification: Uncertain significance for Inborn genetic diseases. Last evaluated: 2026-02-28. Review status: criteria provided, single submitter. Criteria: Ambry Variant Classification Scheme 2023. Collection method: clinical testing. Allele origin: germline.
Comment: The p.N697I variant (also known as c.2090A>T), located in coding exon 1 of the SAMD9L gene, results from an A to T substitution at nucleotide position 2090. The asparagine at codon 697 is replaced by isoleucine, an amino acid with dissimilar properties. This amino acid position is conserved. In addition, the in silico prediction for this alteration is inconclusive. Based on the available evidence, the clinical significance of this variant remains unclear.

NM_152703.5(SAMD9L):c.2090A>T (p.Asn697Ile)

Gene: SAMD9L (sterile alpha motif domain containing 9 like; minus strand). Cytogenetic location: 7q21.2.
Variant type: single nucleotide variant.
Coding change: c.2090A>T on transcript NM_152703.5 (MANE Select); coding-DNA position 2090, A replaced by T.
Protein change: p.Asn697Ile; replaces asparagine 697 with isoleucine.
Molecular consequence: missense variant.
Genome position (GRCh38, 1-based): chr7:93,133,882, T>A on the plus strand (A>T on the coding strand, the complement: SAMD9L is on the minus strand). VCF-style: chr7-93133882-T-A. GRCh37 (hg19) VCF-style: chr7-92763195-T-A.
Other names: c.2090A>T, p.Asn697Ile (NM_001350085.2, NM_001303496.3, NM_001303497.3 and 5 more transcripts); short protein forms N697I.
Identifiers: ClinVar variation 4826178 (VCV004826178.1).